The following is an entry in ClinVar:

NM_182961.4(SYNE1):c.310-482C>T

Gene: SYNE1 (spectrin repeat containing nuclear envelope protein 1; minus strand). Cytogenetic location: 6q25.2.
Variant type: single nucleotide variant.
Coding change: c.310-482C>T on transcript NM_182961.4 (MANE Select); 482 bases into the intron before coding-DNA position 310, C replaced by T.
Molecular consequence: intron variant. On other transcripts: missense variant (1).
Genome position (GRCh38, 1-based): chr6:152,511,585, G>A on the plus strand (C>T on the coding strand, the complement: SYNE1 is on the minus strand). VCF-style: chr6-152511585-G-A. GRCh37 (hg19) VCF-style: chr6-152832720-G-A.
Other names: c.316C>T, p.His106Tyr (NM_033071.5); short protein forms H106Y.
Identifiers: ClinVar variation 959756 (VCV000959756.10), dbSNP rs561359644, ClinGen allele CA4059788.
Genomic context (GRCh38, chr6:152,511,585, plus strand): 5'-TTACCTATAAAAATCAGGAGTTAAGAATTCTAAAATTTGTACTAACCGGTGATCCTCTGT[G>A]CATGGACTGACATGAAAAACAAAGGGAGAAGATAATAGATATACATAAATCATCTTTCAA-3'

ClinVar aggregate classification (germline): Uncertain significance (1 of 4 stars; one submission).

Conditions:
Autosomal recessive ataxia, Beauce type. Also called: Spinocerebellar ataxia, autosomal recessive 8; ATAXIA, RECESSIVE, OF BEAUCE; SYNE1-Related Autosomal Recessive Cerebellar Ataxia; SYNE1 Deficiency. Identifiers: Orphanet 88644, MedGen C1853116, MONDO:0012549, OMIM 610743.
Emery-Dreifuss muscular dystrophy 4, autosomal dominant (EDMD4). Also called: EMERY-DREIFUSS MUSCULAR DYSTROPHY 4 WITH VARIABLE FEATURES. Identifiers: Orphanet 261, MedGen C2751807, MONDO:0013071, OMIM 612998.

Allele frequency attached by ClinVar (database versions not stated): TOPMed below 0.00001; gnomAD 0.00001; ExAC 0.00002; 1000 Genomes Project 30x 0.00031; 1000 Genomes Project 0.00040.
gnomAD v4.1: 1 of 1,612,524 alleles (0.000062%); highest among the groups gnomAD compares: African/African-American, 0.0013%; no homozygotes.

Submission:

Labcorp Genetics (formerly Invitae), Labcorp
Classification: Uncertain significance for Emery-Dreifuss muscular dystrophy 4, autosomal dominant; Autosomal recessive ataxia, Beauce type. Last evaluated: 2022-07-25. Review status: criteria provided, single submitter. Criteria: Invitae Variant Classification Sherloc (09022015). Collection method: clinical testing. Allele origin: germline.
Comment: This sequence change replaces histidine, which is basic and polar, with tyrosine, which is neutral and polar, at codon 106 of the SYNE1 protein (p.His106Tyr). This variant is present in population databases (rs561359644, gnomAD 0.01%). In summary, the available evidence is currently insufficient to determine the role of this variant in disease. Therefore, it has been classified as a Variant of Uncertain Significance. Algorithms developed to predict the effect of missense changes on protein structure and function are either unavailable or do not agree on the potential impact of this missense change (SIFT: "Deleterious"; PolyPhen-2: "Benign"; Align-GVGD: "Class C0"). ClinVar contains an entry for this variant (Variation ID: 959756). This variant has not been reported in the literature in individuals affected with SYNE1-related conditions.